The following is an entry in ClinVar:

ClinVar aggregate classification (germline): Benign/Likely benign. Review status: criteria provided, multiple submitters, no conflicts (2 of 4 stars). 8 submissions from 8 submitters: Benign (3); Likely benign (3). 2 of the submissions do not count toward it. Last evaluated 2026-01-19.

Conditions:
GRIN2B-related disorder. Also called: GRIN2B-related condition.
Inborn genetic diseases. Identifiers: MedGen C0950123, MeSH D030342.
Intellectual developmental disorder, autosomal dominant 6, with or without seizures. Also called: Intellectual disability, autosomal dominant 6; GRIN2B-related developmental delay, intellectual disability and autism spectrum disorder. Identifiers: Orphanet 589547, MedGen C3151411, MONDO:0013509, OMIM 613970.
Developmental and epileptic encephalopathy, 27 (DEE27). Also called: Epileptic encephalopathy, early infantile, 27; GRIN2B-Related Neurodevelopmental Disorder. Identifiers: Orphanet 3451, MedGen C4015316, MONDO:0014505, OMIM 616139.

Allele frequency attached by ClinVar (database versions not stated): ExAC 0.00034; ESP Exome Variant Server 0.00046; gnomAD 0.00078 and 0.00085; TOPMed 0.00078; 1000 Genomes Project 0.00140; 1000 Genomes Project 30x 0.00141.
gnomAD v4.1: 255 of 1,613,504 alleles (0.016%); highest among the groups gnomAD compares: African/African-American, 0.29%; no homozygotes.

Submissions (8):

Labcorp Genetics (formerly Invitae), Labcorp
Classification: Likely benign for Developmental and epileptic encephalopathy, 27; Intellectual developmental disorder, autosomal dominant 6, with or without seizures. Last evaluated: 2026-01-19. Review status: criteria provided, single submitter. Criteria: Invitae Variant Classification Sherloc (09022015). Collection method: clinical testing. Allele origin: germline.

CeGaT Center for Human Genetics Tuebingen
Classification: Benign. Last evaluated: 2025-01-01. Review status: criteria provided, single submitter. Criteria: CeGaT Center For Human Genetics Tuebingen Variant Classification Criteria Version 2. Collection method: clinical testing. Allele origin: germline. Affected: yes. Observed: 1 variant allele.
Comment: GRIN2B: PP2, BP4, BS1, BS2

ARUP Laboratories, Molecular Genetics and Genomics, ARUP Laboratories
Classification: Likely benign. Last evaluated: 2024-01-17. Review status: criteria provided, single submitter. Criteria: ARUP Molecular Germline Variant Investigation Process 2024. Collection method: clinical testing. Allele origin: germline.

GeneDx
Classification: Benign. Last evaluated: 2020-09-02. Review status: criteria provided, single submitter. Criteria: GeneDx Variant Classification Process June 2021. Collection method: clinical testing. Allele origin: germline. Affected: yes.

Ambry Genetics
Classification: Benign for Inborn genetic diseases. Last evaluated: 2018-12-18. Review status: criteria provided, single submitter. Criteria: Ambry Variant Classification Scheme 2023. Collection method: clinical testing. Allele origin: germline.

Breakthrough Genomics
Classification: Likely benign. Review status: criteria provided, single submitter. Criteria: ACMG Guidelines, 2015. Collection method: not provided. Allele origin: germline. Inheritance: Autosomal dominant inheritance. Affected: yes.

PreventionGenetics, part of Exact Sciences
Classification: Likely benign for GRIN2B-related condition. Last evaluated: 2024-03-05. Review status: no assertion criteria provided. Collection method: clinical testing. Allele origin: germline. Not counted in ClinVar's aggregate classification.
Comment: This variant is classified as likely benign based on ACMG/AMP sequence variant interpretation guidelines (Richards et al. 2015 PMID: 25741868, with internal and published modifications).

Psychiatry Genetics Yale University
No classification provided. Review status: no classification provided. Collection method: not provided. Allele origin: not provided. Not counted in ClinVar's aggregate classification.

NM_000834.5(GRIN2B):c.4240G>T (p.Ala1414Ser)

Gene: GRIN2B (glutamate ionotropic receptor NMDA type subunit 2B; minus strand). Cytogenetic location: 12p13.1.
Variant type: single nucleotide variant.
Coding change: c.4240G>T on transcript NM_000834.5 (MANE Select); coding-DNA position 4240, G replaced by T.
Protein change: p.Ala1414Ser; replaces alanine 1414 with serine.
Molecular consequence: missense variant.
Genome position (GRCh38, 1-based): chr12:13,562,998, C>A on the plus strand (G>T on the coding strand, the complement: GRIN2B is on the minus strand). VCF-style: chr12-13562998-C-A. GRCh37 (hg19) VCF-style: chr12-13715932-C-A.
Other names: p.A1414S:GCG>TCG; short protein forms A1414S.
Identifiers: ClinVar variation 98430 (VCV000098430.36), dbSNP rs140744818, ClinGen allele CA225815.